The following is an entry in ClinVar:

ClinVar aggregate classification (germline): Uncertain significance. Review status: criteria provided, multiple submitters, no conflicts (2 of 4 stars). 2 submissions from 2 submitters: Uncertain significance (2). Last evaluated 2023-08-17.

gnomAD v4.1: 6 of 1,611,090 alleles (0.00037%); highest among the groups gnomAD compares: African/African-American, 0.008%; no homozygotes.

Submissions (2):

Labcorp Genetics (formerly Invitae), Labcorp
Classification: Uncertain significance. Last evaluated: 2023-08-17. Review status: criteria provided, single submitter. Criteria: Invitae Variant Classification Sherloc (09022015). Collection method: clinical testing. Allele origin: germline.
Comment: In summary, the available evidence is currently insufficient to determine the role of this variant in disease. Therefore, it has been classified as a Variant of Uncertain Significance. This sequence change replaces valine, which is neutral and non-polar, with phenylalanine, which is neutral and non-polar, at codon 298 of the TACR3 protein (p.Val298Phe). This variant is present in population databases (no rsID available, gnomAD 0.007%). This variant has not been reported in the literature in individuals affected with TACR3-related conditions. ClinVar contains an entry for this variant (Variation ID: 1313269). Advanced modeling of protein sequence and biophysical properties (such as structural, functional, and spatial information, amino acid conservation, physicochemical variation, residue mobility, and thermodynamic stability) has been performed at Invitae for this missense variant, however the output from this modeling did not meet the statistical confidence thresholds required to predict the impact of this variant on TACR3 protein function.

GeneDx
Classification: Uncertain significance. Last evaluated: 2020-10-12. Review status: criteria provided, single submitter. Criteria: GeneDx Variant Classification Process June 2021. Collection method: clinical testing. Allele origin: germline. Affected: yes.
Comment: In silico analysis supports that this missense variant has a deleterious effect on protein structure/function; Has not been previously published as pathogenic or benign to our knowledge

NM_001059.3(TACR3):c.892G>T (p.Val298Phe)

Genes: TACR3 (tachykinin receptor 3; minus strand), TACR3-AS1 (TACR3 antisense RNA 1; plus strand). Cytogenetic location: 4q24.
Variant type: single nucleotide variant.
Coding change: c.892G>T on transcript NM_001059.3 (MANE Select); coding-DNA position 892, G replaced by T.
Protein change: p.Val298Phe; replaces valine 298 with phenylalanine.
Molecular consequence: missense variant.
Genome position (GRCh38, 1-based): chr4:103,591,680, C>A on the plus strand (G>T on the coding strand, the complement: TACR3 is on the minus strand). VCF-style: chr4-103591680-C-A. GRCh37 (hg19) VCF-style: chr4-104512837-C-A.
Other names: short protein forms V298F.
Identifiers: ClinVar variation 1313269 (VCV001313269.9), dbSNP rs376656496, ClinGen allele CA103186490.
Genomic context (GRCh38, chr4:103,591,680, plus strand): 5'-AAATATGATAGGGCAGCCAGCAGATAGCAAATGTCATGACAACAATAATCATCATTTTGA[C>A]AACCTATAAAGAAAAAAAGTCATTTTTGACAAATATAATACTCATAATAGTTCCAATAGC-3'
Protein context (NP_001050.1, residues 288-308): HEQLKAKRKV[Val298Phe]KMMIIVVMTF